The following is an entry in ClinVar:

ClinVar aggregate classification (germline): Benign/Likely benign. Review status: criteria provided, multiple submitters, no conflicts (2 of 4 stars). 2 submissions from 2 submitters: Benign (1); Likely benign (1). Last evaluated 2025-12-22.

Conditions:
Christianson syndrome (MRXSCH). Also called: SLC9A6-Related Syndromic Mental Retardation; X-linked mental retardation, syndromic, Christianson type; INTELLECTUAL DEVELOPMENTAL DISORDER, X-LINKED, SYNDROMIC, CHRISTIANSON TYPE. Identifiers: Orphanet 85278, MedGen C2678194, MONDO:0010278, OMIM 300243.

Allele frequency attached by ClinVar (database versions not stated): ExAC 0.00005; gnomAD 0.00003; TOPMed 0.00003.
gnomAD v4.1: 67 of 1,207,234 alleles (0.0055%); highest among the groups gnomAD compares: South Asian, 0.007%; no homozygotes.

Submissions (2):

Labcorp Genetics (formerly Invitae), Labcorp
Classification: Benign for Christianson syndrome. Last evaluated: 2025-12-22. Review status: criteria provided, single submitter. Criteria: Invitae Variant Classification Sherloc (09022015). Collection method: clinical testing. Allele origin: germline.

GeneDx
Classification: Likely benign. Last evaluated: 2022-11-23. Review status: criteria provided, single submitter. Criteria: GeneDx Variant Classification Process June 2021. Collection method: clinical testing. Allele origin: germline. Affected: yes.
Comment: See Variant Classification Assertion Criteria.

NM_001379110.1(SLC9A6):c.564G>A (p.Thr188=)

Gene: SLC9A6 (solute carrier family 9 member A6; plus strand). Cytogenetic location: Xq26.3.
Variant type: single nucleotide variant.
Coding change: c.564G>A on transcript NM_001379110.1 (MANE Select); coding-DNA position 564, G replaced by A.
Protein change: p.Thr188=; no amino-acid change (threonine 188 retained).
Molecular consequence: synonymous variant.
Genome position (GRCh38, 1-based): chrX:135,998,895, G>A. VCF-style: chrX-135998895-G-A. GRCh37 (hg19) VCF-style: chrX-135081054-G-A.
Other names: c.720G>A, p.Thr240= (NM_001042537.2); c.564G>A, p.Thr188= (NM_001177651.2); c.468G>A, p.Thr156= (NM_001330652.2); c.624G>A, p.Thr208= (NM_006359.3).
Identifiers: ClinVar variation 1164735 (VCV001164735.14), dbSNP rs782216766, ClinGen allele CA10524700.